The following is an entry in ClinVar:

NM_004260.4(RECQL4):c.3313G>A (p.Gly1105Ser)

Gene: RECQL4 (RecQ like helicase 4; minus strand). Cytogenetic location: 8q24.3.
Variant type: single nucleotide variant.
Coding change: c.3313G>A on transcript NM_004260.4 (MANE Select); coding-DNA position 3313, G replaced by A.
Protein change: p.Gly1105Ser; replaces glycine 1105 with serine.
Molecular consequence: missense variant.
Genome position (GRCh38, 1-based): chr8:144,511,991, C>T on the plus strand (G>A on the coding strand, the complement: RECQL4 is on the minus strand). VCF-style: chr8-144511991-C-T. GRCh37 (hg19) VCF-style: chr8-145737374-C-T.
Other names: short protein forms G1105S.
Identifiers: ClinVar variation 135150 (VCV000135150.22), dbSNP rs34915097, ClinGen allele CA161857.

ClinVar aggregate classification (germline): Benign/Likely benign. Review status: criteria provided, multiple submitters, no conflicts (2 of 4 stars). 8 submissions from 8 submitters: Benign (2); Likely benign (5). 1 of the submissions does not count toward it. Last evaluated 2026-02-03.

Conditions:
Baller-Gerold syndrome (BGS). Also called: CRANIOSYNOSTOSIS WITH RADIAL DEFECTS. Identifiers: Orphanet 1225, MedGen C0265308, MONDO:0009039, OMIM 218600.
Rapadilino syndrome. Identifiers: Orphanet 3021, MedGen C1849453, MONDO:0009955, OMIM 266280.
Rothmund-Thomson syndrome type 2 (RTS2). Identifiers: Orphanet 221016, MedGen C5203410, MONDO:0016369, OMIM 268400.
Hereditary cancer-predisposing syndrome. Also called: Tumor predisposition; Hereditary neoplastic syndrome; Hereditary Cancer Syndrome; Neoplastic Syndromes, Hereditary. Identifiers: Orphanet 140162, MedGen C0027672, MeSH D009386, MONDO:0015356.

Allele frequency attached by ClinVar (database versions not stated): 1000 Genomes Project 0.00200; TOPMed 0.00284; gnomAD 0.00296; ESP Exome Variant Server 0.00372.
gnomAD v4.1: 958 of 1,610,456 alleles (0.059%); highest among the groups gnomAD compares: African/African-American, 0.97%; 2 homozygotes.

Submissions (8):

Labcorp Genetics (formerly Invitae), Labcorp
Classification: Benign for Baller-Gerold syndrome. Last evaluated: 2026-02-03. Review status: criteria provided, single submitter. Criteria: Invitae Variant Classification Sherloc (09022015). Collection method: clinical testing. Allele origin: germline.

CeGaT Center for Human Genetics Tuebingen
Classification: Likely benign. Last evaluated: 2026-02-01. Review status: criteria provided, single submitter. Criteria: CeGaT Center For Human Genetics Tuebingen Variant Classification Criteria Version 2. Collection method: clinical testing. Allele origin: germline. Affected: yes. Observed: 1 variant allele.
Comment: RECQL4: BP4, BS2

Blueprint Genetics
Classification: Likely benign. Last evaluated: 2024-11-25. Review status: criteria provided, single submitter. Criteria: ACMG Guidelines, 2015. Collection method: clinical testing. Allele origin: germline.

Genetic Services Laboratory, University of Chicago
Classification: Likely benign. Last evaluated: 2021-10-19. Review status: criteria provided, single submitter. Criteria: ACMG Guidelines, 2015. Collection method: clinical testing. Allele origin: germline. Affected: no.

GeneDx
Classification: Likely benign. Last evaluated: 2021-02-04. Review status: criteria provided, single submitter. Criteria: GeneDx Variant Classification Process June 2021. Collection method: clinical testing. Allele origin: germline. Affected: yes.
Comment: This variant is associated with the following publications: (PMID: 18504617)

Sema4
Classification: Benign for Hereditary cancer-predisposing syndrome. Last evaluated: 2020-10-23. Review status: criteria provided, single submitter. Criteria: Sema4 Curation Guidelines. Collection method: curation. Allele origin: germline.

Department of Pathology and Laboratory Medicine, Sinai Health System
Classification: Likely benign for Baller-Gerold syndrome; Rapadilino syndrome; Rothmund-Thomson syndrome type 2. Last evaluated: 2020-06-18. Review status: criteria provided, single submitter. Criteria: ACMG Guidelines, 2015. Collection method: research. Allele origin: germline.

ITMI
No classification provided. Condition: AllHighlyPenetrant. Last evaluated: 2013-09-19. Review status: no classification provided. Collection method: reference population. Allele origin: germline. Not counted in ClinVar's aggregate classification.
Comment: Please see associated publication for description of ethnicities

Literature cited by the submitters: PubMed 24728327 (cited by ITMI).